The following is an entry in ClinVar:

NM_001377299.1(NDUFS2):c.96-8C>T

Gene: NDUFS2 (NADH:ubiquinone oxidoreductase core subunit S2; plus strand). Cytogenetic location: 1q23.3.
Variant type: single nucleotide variant.
Coding change: c.96-8C>T on transcript NM_001377299.1 (MANE Select); 8 bases into the intron before coding-DNA position 96, C replaced by T.
Molecular consequence: intron variant.
Genome position (GRCh38, 1-based): chr1:161,203,429, C>T. VCF-style: chr1-161203429-C-T. GRCh37 (hg19) VCF-style: chr1-161173219-C-T.
Other names: c.96-8C>T (NM_001377300.1, NM_001377298.1, NM_001377301.1 and 3 more transcripts).
Identifiers: ClinVar variation 731292 (VCV000731292.9), dbSNP rs748230530, ClinGen allele CA1208484.
Genomic context (GRCh38, chr1:161,203,429, plus strand): 5'-GTGAATGGGAACACAGGAACCAAACACTGTTCAGGCCCTTTGTCTAGGATCTGTCTTTGA[C>T]TCCCCAGAGGTGTTCGGCAGTGGCAGCCAGATGTGGAATGGGCACAGCAGTTTGGGGGAG-3'

ClinVar aggregate classification (germline): Likely benign. Review status: criteria provided, single submitter (1 of 4 stars). 2 submissions from 2 submitters: Likely benign (1). 1 of the submissions does not count toward it. Last evaluated 2025-10-18.

Conditions:
NDUFS2-related disorder. Also called: NDUFS2-related condition.

Allele frequency attached by ClinVar (database versions not stated): gnomAD exomes 0.00001 and 0.00004; ExAC 0.00002; gnomAD 0.00003 and 0.00004; TOPMed 0.00008.

Submissions (2):

Labcorp Genetics (formerly Invitae), Labcorp
Classification: Likely benign. Last evaluated: 2025-10-18. Review status: criteria provided, single submitter. Criteria: Invitae Variant Classification Sherloc (09022015). Collection method: clinical testing. Allele origin: germline.

PreventionGenetics, part of Exact Sciences
Classification: Likely benign for NDUFS2-related condition. Last evaluated: 2019-09-27. Review status: no assertion criteria provided. Collection method: clinical testing. Allele origin: germline. Not counted in ClinVar's aggregate classification.
Comment: This variant is classified as likely benign based on ACMG/AMP sequence variant interpretation guidelines (Richards et al. 2015 PMID: 25741868, with internal and published modifications).